The following is an entry in ClinVar:

NM_032444.4(SLX4):c.4045G>A (p.Gly1349Arg)

Gene: SLX4 (SLX4 structure-specific endonuclease subunit; minus strand). Cytogenetic location: 16p13.3.
Variant type: single nucleotide variant.
Coding change: c.4045G>A on transcript NM_032444.4 (MANE Select); coding-DNA position 4045, G replaced by A.
Protein change: p.Gly1349Arg; replaces glycine 1349 with arginine.
Molecular consequence: missense variant.
Genome position (GRCh38, 1-based): chr16:3,589,593, C>T on the plus strand (G>A on the coding strand, the complement: SLX4 is on the minus strand). VCF-style: chr16-3589593-C-T. GRCh37 (hg19) VCF-style: chr16-3639594-C-T.
Other names: short protein forms G1349R.
Identifiers: ClinVar variation 2718472 (VCV002718472.3), dbSNP rs1555450055, ClinGen allele CA7865752.
Genomic context (GRCh38, chr16:3,589,593, plus strand): 5'-AGTGGGCGCGGTCCCCTGAGATGGGATGTGGAGCCAGCGGAGAGGAGTGCGGGTGGCCCC[C>T]GGGGTGGGGACGGGAAGGGCTTCTGTGGCCTTGCCTTCTGCCGTCAGAAGTTCCTGGAGA-3'
Protein context (NP_115820.2, residues 1339-1359): GHRSPSRPHP[Gly1349Arg]GHPHSSPLAP

ClinVar aggregate classification (germline): Uncertain significance (1 of 4 stars; one submission).

Conditions:
Fanconi anemia (FA). Also called: Fanconi's anemia. Identifiers: Orphanet 84, MedGen C0015625, MeSH D005199, MONDO:0019391.

Allele frequency attached by ClinVar (database versions not stated): gnomAD 0.00001.
gnomAD v4.1: 16 of 1,613,436 alleles (0.00099%); highest among the groups gnomAD compares: East Asian, 0.0022%; no homozygotes.

Submission:

Labcorp Genetics (formerly Invitae), Labcorp
Classification: Uncertain significance for Fanconi anemia. Last evaluated: 2022-10-28. Review status: criteria provided, single submitter. Criteria: Invitae Variant Classification Sherloc (09022015). Collection method: clinical testing. Allele origin: germline.
Comment: This sequence change replaces glycine, which is neutral and non-polar, with arginine, which is basic and polar, at codon 1349 of the SLX4 protein (p.Gly1349Arg). In summary, the available evidence is currently insufficient to determine the role of this variant in disease. Therefore, it has been classified as a Variant of Uncertain Significance. Algorithms developed to predict the effect of missense changes on protein structure and function output the following: SIFT: "Tolerated"; PolyPhen-2: "Benign"; Align-GVGD: "Class C0". The arginine amino acid residue is found in multiple mammalian species, which suggests that this missense change does not adversely affect protein function. This variant has not been reported in the literature in individuals affected with SLX4-related conditions. This variant is present in population databases (no rsID available, gnomAD 0.002%).